The following is an entry in ClinVar:

ClinVar aggregate classification (germline): Uncertain significance. Review status: criteria provided, multiple submitters, no conflicts (2 of 4 stars). 2 submissions from 2 submitters: Uncertain significance (2). Last evaluated 2025-12-09.

Conditions:
Cardiovascular phenotype. Identifiers: MedGen CN230736.
RASopathy. Also called: Noonan spectrum disorder; rasopathies. Identifiers: Orphanet 536391, MedGen C5555857, MONDO:0021060.

Allele frequency attached by ClinVar (database versions not stated): gnomAD exomes below 0.00001; ExAC 0.00001.

Submissions (2):

Labcorp Genetics (formerly Invitae), Labcorp
Classification: Uncertain significance for RASopathy. Last evaluated: 2025-12-09. Review status: criteria provided, single submitter. Criteria: Invitae Variant Classification Sherloc (09022015). Collection method: clinical testing. Allele origin: germline.
Comment: This sequence change replaces proline, which is neutral and non-polar, with leucine, which is neutral and non-polar, at codon 651 of the SOS1 protein (p.Pro651Leu). This variant is present in population databases (rs773205186, gnomAD 0.0009%). This variant has not been reported in the literature in individuals affected with SOS1-related conditions. ClinVar contains an entry for this variant (Variation ID: 1483800). Invitae Evidence Modeling of protein sequence and biophysical properties (such as structural, functional, and spatial information, amino acid conservation, physicochemical variation, residue mobility, and thermodynamic stability) has been performed for this missense variant. However, the output from this modeling did not meet the statistical confidence thresholds required to predict the impact of this variant on SOS1 protein function. In summary, the available evidence is currently insufficient to determine the role of this variant in disease. Therefore, it has been classified as a Variant of Uncertain Significance.

Ambry Genetics
Classification: Uncertain significance for Cardiovascular phenotype. Last evaluated: 2025-08-07. Review status: criteria provided, single submitter. Criteria: Ambry Variant Classification Scheme 2023. Collection method: clinical testing. Allele origin: germline.

NM_005633.4(SOS1):c.1952C>T (p.Pro651Leu)

Gene: SOS1 (SOS Ras/Rac guanine nucleotide exchange factor 1; minus strand). Cytogenetic location: 2p22.1.
Variant type: single nucleotide variant.
Coding change: c.1952C>T on transcript NM_005633.4 (MANE Select); coding-DNA position 1952, C replaced by T.
Protein change: p.Pro651Leu; replaces proline 651 with leucine.
Molecular consequence: missense variant.
Genome position (GRCh38, 1-based): chr2:39,013,978, G>A on the plus strand (C>T on the coding strand, the complement: SOS1 is on the minus strand). VCF-style: chr2-39013978-G-A. GRCh37 (hg19) VCF-style: chr2-39241119-G-A.
Other names: c.1931C>T, p.Pro644Leu (NM_001382394.1); c.1952C>T, p.Pro651Leu (NM_001382395.1); c.1952C>T (NM_005633.3); short protein forms P651L, P644L.
Identifiers: ClinVar variation 1483800 (VCV001483800.7), dbSNP rs773205186, ClinGen allele CA1624498.